The following is an entry in ClinVar:

ClinVar aggregate classification (germline): Uncertain significance (1 of 4 stars; one submission).

Allele frequency attached by ClinVar (database versions not stated): ESP Exome Variant Server 0.00008.
gnomAD v4.1: 29 of 1,613,012 alleles (0.0018%); highest among the groups gnomAD compares: Admixed American, 0.012%; no homozygotes.

Submission:

Labcorp Genetics (formerly Invitae), Labcorp
Classification: Uncertain significance. Last evaluated: 2026-01-06. Review status: criteria provided, single submitter. Criteria: Invitae Variant Classification Sherloc (09022015). Collection method: clinical testing. Allele origin: germline.
Comment: This sequence change replaces glutamic acid, which is acidic and polar, with lysine, which is basic and polar, at codon 226 of the GNB3 protein (p.Glu226Lys). This variant is present in population databases (rs371744474, gnomAD 0.01%). This variant has not been reported in the literature in individuals affected with GNB3-related conditions. ClinVar contains an entry for this variant (Variation ID: 1490329). Invitae Evidence Modeling of protein sequence and biophysical properties (such as structural, functional, and spatial information, amino acid conservation, physicochemical variation, residue mobility, and thermodynamic stability) indicates that this missense variant is not expected to disrupt GNB3 protein function with a negative predictive value of 80%. In summary, the available evidence is currently insufficient to determine the role of this variant in disease. Therefore, it has been classified as a Variant of Uncertain Significance.

NM_002075.4(GNB3):c.676G>A (p.Glu226Lys)

Gene: GNB3 (G protein subunit beta 3; plus strand). Cytogenetic location: 12p13.31.
Variant type: single nucleotide variant.
Coding change: c.676G>A on transcript NM_002075.4 (MANE Select); coding-DNA position 676, G replaced by A.
Protein change: p.Glu226Lys; replaces glutamic acid 226 with lysine.
Molecular consequence: missense variant.
Genome position (GRCh38, 1-based): chr12:6,843,955, G>A. VCF-style: chr12-6843955-G-A. GRCh37 (hg19) VCF-style: chr12-6953119-G-A.
Other names: c.673G>A, p.Glu225Lys (NM_001297571.2); short protein forms E226K, E225K.
Identifiers: ClinVar variation 1490329 (VCV001490329.8), dbSNP rs371744474, ClinGen allele CA6417617.